The following is an entry in ClinVar:

ClinVar aggregate classification (germline): Uncertain significance (1 of 4 stars; one submission).

Allele frequency attached by ClinVar (database versions not stated): TOPMed 0.00001.

Submission:

Labcorp Genetics (formerly Invitae), Labcorp
Classification: Uncertain significance. Last evaluated: 2022-03-02. Review status: criteria provided, single submitter. Criteria: Invitae Variant Classification Sherloc (09022015). Collection method: clinical testing. Allele origin: germline.
Comment: This sequence change replaces tyrosine, which is neutral and polar, with histidine, which is basic and polar, at codon 2649 of the SZT2 protein (p.Tyr2649His). This variant is not present in population databases (gnomAD no frequency). This variant has not been reported in the literature in individuals affected with SZT2-related conditions. Algorithms developed to predict the effect of missense changes on protein structure and function are either unavailable or do not agree on the potential impact of this missense change (SIFT: "Deleterious"; PolyPhen-2: "Benign"; Align-GVGD: "Class C0"). In summary, the available evidence is currently insufficient to determine the role of this variant in disease. Therefore, it has been classified as a Variant of Uncertain Significance.

NM_001365999.1(SZT2):c.8116T>C (p.Tyr2706His)

Gene: SZT2 (SZT2 subunit of KICSTOR complex; plus strand). Cytogenetic location: 1p34.2.
Variant type: single nucleotide variant.
Coding change: c.8116T>C on transcript NM_001365999.1 (MANE Select); coding-DNA position 8116, T replaced by C.
Protein change: p.Tyr2706His; replaces tyrosine 2706 with histidine.
Molecular consequence: missense variant.
Genome position (GRCh38, 1-based): chr1:43,442,583, T>C. VCF-style: chr1-43442583-T-C. GRCh37 (hg19) VCF-style: chr1-43908254-T-C.
Other names: c.7945T>C, p.Tyr2649His (NM_015284.4); short protein forms Y2649H, Y2706H.
Identifiers: ClinVar variation 1499905 (VCV001499905.3), dbSNP rs919166639, ClinGen allele CA21648204.